The following is an entry in ClinVar:

ClinVar aggregate classification (germline): Likely pathogenic (1 of 4 stars; one submission).

Conditions:
Autosomal recessive limb-girdle muscular dystrophy. Identifiers: Orphanet 102015, MedGen C2931907, MONDO:0015152.

Submission:

Myriad Genetics, Inc.
Classification: Likely pathogenic for Autosomal recessive limb-girdle muscular dystrophy. Last evaluated: 2022-01-15. Review status: criteria provided, single submitter. Criteria: Myriad Autosomal Dominant, Autosomal Recessive and X-Linked Classification Criteria (2023). Collection method: clinical testing. Allele origin: unknown.
Comment: NM_003494.3(DYSF):c.3162delA(A1055Hfs*2) is expected to be pathogenic in the context of dysferlinopathy. This variant is predicted to lead to an abnormal or absent protein product due to the creation of a premature termination codon in DYSF, a gene where loss-of-function variants are known to be pathogenic. Please note: this variant was assessed in the context of healthy population screening.

NM_001130987.2(DYSF):c.3216del (p.Ala1073fs)

Gene: DYSF (dysferlin; plus strand). Cytogenetic location: 2p13.2.
Variant type: Deletion.
Coding change: c.3216del on transcript NM_001130987.2 (MANE Select); coding-DNA position 3216, one base deleted (A; older notation c.3216delA).
Protein change: p.Ala1073fs; shifts the reading frame from alanine 1073.
Molecular consequence: frameshift variant.
Genome position (GRCh38, 1-based): chr2:71,570,729, A deleted; the last of 2 consecutive A bases (chr2:71,570,728-71,570,729); deleting either gives the same sequence. VCF-style (leftmost placement, unchanged base first): chr2-71570727-GA-G. GRCh37 (hg19) VCF-style: chr2-71797857-GA-G.
Other names: c.3165del, p.Ala1056fs (NM_001130455.2, NM_001130983.2); c.3120del, p.Ala1041fs (NM_001130976.2, NM_001130977.2); c.3162del, p.Ala1055fs (NM_001130978.2, NM_003494.4); c.3255del, p.Ala1086fs (NM_001130979.2); c.3213del, p.Ala1072fs (NM_001130980.2, NM_001130981.2); c.3258del, p.Ala1087fs (NM_001130982.2); c.3123del, p.Ala1042fs (NM_001130984.2, NM_001130986.2); c.3216del, p.Ala1073fs (NM_001130985.2); short protein forms A1041fs, A1042fs, A1055fs, A1056fs, A1072fs, A1073fs, A1086fs, A1087fs.
Identifiers: ClinVar variation 1723959 (VCV001723959.3), dbSNP rs2545824574, ClinGen allele CA2580067861.